The following is an entry in ClinVar:

NM_004714.3(DYRK1B):c.1058del (p.Gly353fs)

Gene: DYRK1B (dual specificity tyrosine phosphorylation regulated kinase 1B; minus strand). Cytogenetic location: 19q13.2.
Variant type: Deletion.
Coding change: c.1058del on transcript NM_004714.3 (MANE Select); coding-DNA position 1058, one base deleted (G; older notation c.1058delG).
Protein change: p.Gly353fs; shifts the reading frame from glycine 353.
Molecular consequence: frameshift variant.
Genome position (GRCh38, 1-based): chr19:39,827,322, C deleted on the plus strand (G on the coding strand, the reverse complement: DYRK1B is on the minus strand); the first of 5 consecutive C bases (chr19:39,827,322-39,827,326); deleting any one gives the same sequence. VCF-style (leftmost placement, unchanged base first): chr19-39827321-AC-A. GRCh37 (hg19) VCF-style: chr19-40317961-AC-A.
Other names: c.1058del, p.Gly353fs (NM_006483.3, NM_006484.3); short protein forms G353fs.
Identifiers: ClinVar variation 3031095 (VCV003031095.2), dbSNP rs757658083, ClinGen allele CA9434130.

ClinVar aggregate classification (germline): Uncertain significance (0 of 4 stars; one submission).

Conditions:
DYRK1B-related disorder. Also called: DYRK1B-related condition.

Submission:

PreventionGenetics, part of Exact Sciences
Classification: Uncertain significance for DYRK1B-related condition. Last evaluated: 2024-02-09. Review status: no assertion criteria provided. Collection method: clinical testing. Allele origin: germline.
Comment: The DYRK1B c.1058delG variant is predicted to result in a frameshift and premature protein termination (p.Gly353Valfs*150). To our knowledge, this variant has not been reported in the literature. This variant is reported in 0.0027% of alleles in individuals of European (Non-Finnish) descent in gnomAD. Loss-of-function has not been established as a mechanism of DYRK1B-related disease. At this time, the clinical significance of this variant is uncertain due to the absence of conclusive functional and genetic evidence.